The following is an entry in ClinVar:

NM_000195.5(HPS1):c.679A>G (p.Ser227Gly)

Gene: HPS1 (HPS1 biogenesis of lysosomal organelles complex 3 subunit 1; minus strand). Cytogenetic location: 10q24.2.
Variant type: single nucleotide variant.
Coding change: c.679A>G on transcript NM_000195.5 (MANE Select); coding-DNA position 679, A replaced by G.
Protein change: p.Ser227Gly; replaces serine 227 with glycine.
Molecular consequence: missense variant. On other transcripts: 5 prime UTR variant (3), synonymous variant (2).
Genome position (GRCh38, 1-based): chr10:98,430,660, T>C on the plus strand (A>G on the coding strand, the complement: HPS1 is on the minus strand). VCF-style: chr10-98430660-T-C. GRCh37 (hg19) VCF-style: chr10-100190417-T-C.
Other names: c.-195A>G (NM_001311345.2, NM_001322489.2); c.679A>G, p.Ser227Gly (NM_001322476.2, NM_001322477.2, NM_001322478.2 and 3 more transcripts); c.418A>G, p.Ser140Gly (NM_001322480.2, NM_001322481.2, NM_001322482.2); c.310A>G, p.Ser104Gly (NM_001322483.2, NM_001322484.2, NM_001322485.2); c.-294A>G (NM_001322487.2); c.561A>G, p.Pro187= (NM_001322490.2, NM_001322492.2); c.679A>G (NM_000195.3); short protein forms S140G, S227G, S104G.
Identifiers: ClinVar variation 716163 (VCV000716163.7), dbSNP rs566411892, ClinGen allele CA5639321.
Genomic context (GRCh38, chr10:98,430,660, plus strand): 5'-TGGGGTAGAGGTCCTGAACCAGGAGGATGAGGGCAAGCAGGTCGGCCGGGCGCAGGGAGC[T>C]GGCACTGTGGCTGCAGACACAGGAGCATGGCCACCCATCAGCACATGCCCAGCAGGAGAC-3'
Protein context (NP_000186.2, residues 217-237): LLAFYSSHSA[Ser227Gly]SLRPADLLAL

ClinVar aggregate classification (germline): Conflicting classifications of pathogenicity. Review status: criteria provided, conflicting classifications (1 of 4 stars). 4 submissions from 4 submitters: Uncertain significance (1); Likely benign (3). Last evaluated 2025-12-02.

Conditions:
HPS1-related disorder. Also called: HPS1-related condition.
Inborn genetic diseases. Identifiers: MedGen C0950123, MeSH D030342.

Allele frequency attached by ClinVar (database versions not stated): ExAC 0.00128; TOPMed 0.00158; gnomAD 0.00172; 1000 Genomes Project 0.00260; 1000 Genomes Project 30x 0.00265.

Submissions (4):

PreventionGenetics, part of Exact Sciences
Classification: Likely benign for HPS1-related condition. Last evaluated: 2025-12-02. Review status: criteria provided, single submitter. Criteria: ACMG Guidelines, 2015. Collection method: clinical testing. Allele origin: germline.
Comment: This variant is classified as likely benign based on ACMG/AMP sequence variant interpretation guidelines (Richards et al. 2015 PMID: 25741868, with internal and published modifications).

Ambry Genetics
Classification: Uncertain significance for Inborn genetic diseases. Last evaluated: 2021-10-27. Review status: criteria provided, single submitter. Criteria: Ambry Variant Classification Scheme 2023. Collection method: clinical testing. Allele origin: germline.

Labcorp Genetics (formerly Invitae), Labcorp
Classification: Likely benign. Last evaluated: 2019-12-31. Review status: criteria provided, single submitter. Criteria: Invitae Variant Classification Sherloc (09022015). Collection method: clinical testing. Allele origin: germline.

Breakthrough Genomics
Classification: Likely benign. Review status: criteria provided, single submitter. Criteria: ACMG Guidelines, 2015. Collection method: not provided. Allele origin: germline. Inheritance: Autosomal recessive inheritance. Affected: yes.